The following is an entry in ClinVar:

ClinVar aggregate classification (germline): Likely pathogenic. Review status: criteria provided, single submitter (1 of 4 stars). 2 submissions from 2 submitters: Likely pathogenic (1). 1 of the submissions does not count toward it. Last evaluated 2024-10-25.

Conditions:
Congenital contractures of the limbs and face, hypotonia, and developmental delay (CLIFAHDD). Identifiers: Orphanet 562528, MedGen C4225398, MONDO:0014556, OMIM 616266.

Submissions (2):

GeneDx
Classification: Likely pathogenic. Last evaluated: 2024-10-25. Review status: criteria provided, single submitter. Criteria: GeneDx Variant Classification Process June 2021. Collection method: clinical testing. Allele origin: germline. Affected: yes.
Comment: In silico analysis supports that this missense variant has a deleterious effect on protein structure/function; Not observed at significant frequency in large population cohorts (gnomAD); This variant is associated with the following publications: (PMID: 33273469, 33203861, 27214504, 25683120)

University of Washington Center for Mendelian Genomics, University of Washington
Classification: Pathogenic for Congenital contractures of the limbs and face, hypotonia, and developmental delay. Last evaluated: 2015-05-19. Review status: no assertion criteria provided. Collection method: research. Allele origin: de novo. Affected: yes. Not counted in ClinVar's aggregate classification.

Literature cited by the submitters: PubMed 25683120 (cited by University of Washington Center for Mendelian Genomics, University of Washington).

NM_052867.4(NALCN):c.3493A>C (p.Thr1165Pro)

Gene: NALCN (sodium leak channel, non-selective; minus strand). Cytogenetic location: 13q32.3.
Variant type: single nucleotide variant.
Coding change: c.3493A>C on transcript NM_052867.4 (MANE Select); coding-DNA position 3493, A replaced by C.
Protein change: p.Thr1165Pro; replaces threonine 1165 with proline.
Molecular consequence: missense variant.
Genome position (GRCh38, 1-based): chr13:101,083,801, T>G on the plus strand (A>C on the coding strand, the complement: NALCN is on the minus strand). VCF-style: chr13-101083801-T-G. GRCh37 (hg19) VCF-style: chr13-101736152-T-G.
Other names: c.3580A>C, p.Thr1194Pro (NM_001350748.2); c.3493A>C, p.Thr1165Pro (NM_001350749.2); c.3406A>C, p.Thr1136Pro (NM_001350750.2, NM_001350751.2); short protein forms T1165P, T1136P, T1194P.
Identifiers: ClinVar variation 235831 (VCV000235831.2), dbSNP rs878853128, ClinGen allele CA10581442.